The following is an entry in ClinVar:

ClinVar aggregate classification (germline): Uncertain significance (1 of 4 stars; one submission).

gnomAD v4.1: 22 of 1,614,218 alleles (0.0014%); highest among the groups gnomAD compares: Non-Finnish European, 0.0018%; no homozygotes.

Submission:

Labcorp Genetics (formerly Invitae), Labcorp
Classification: Uncertain significance. Last evaluated: 2025-08-01. Review status: criteria provided, single submitter. Criteria: Invitae Variant Classification Sherloc (09022015). Collection method: clinical testing. Allele origin: germline.
Comment: This sequence change replaces arginine, which is basic and polar, with histidine, which is basic and polar, at codon 936 of the DUOX2 protein (p.Arg936His). This variant is present in population databases (rs774192350, gnomAD 0.006%). This variant has not been reported in the literature in individuals affected with DUOX2-related conditions. Invitae Evidence Modeling of protein sequence and biophysical properties (such as structural, functional, and spatial information, amino acid conservation, physicochemical variation, residue mobility, and thermodynamic stability) indicates that this missense variant is not expected to disrupt DUOX2 protein function with a negative predictive value of 80%. In summary, the available evidence is currently insufficient to determine the role of this variant in disease. Therefore, it has been classified as a Variant of Uncertain Significance.

NM_001363711.2(DUOX2):c.2807G>A (p.Arg936His)

Gene: DUOX2 (dual oxidase 2; minus strand). Cytogenetic location: 15q21.1.
Variant type: single nucleotide variant.
Coding change: c.2807G>A on transcript NM_001363711.2 (MANE Select); coding-DNA position 2807, G replaced by A.
Protein change: p.Arg936His; replaces arginine 936 with histidine.
Molecular consequence: missense variant.
Genome position (GRCh38, 1-based): chr15:45,101,837, C>T on the plus strand (G>A on the coding strand, the complement: DUOX2 is on the minus strand). VCF-style: chr15-45101837-C-T. GRCh37 (hg19) VCF-style: chr15-45394035-C-T.
Other names: c.2807G>A, p.Arg936His (NM_014080.5); short protein forms R936H.
Identifiers: ClinVar variation 4753889 (VCV004753889.1).
Genomic context (GRCh38, chr15:45,101,837, plus strand): 5'-TTCCTCACACACTCACCATTTCCACCTCCACCTCCACCTTTGACACAGAGCTGCGTGAAG[C>T]GGAGCTCGCTGTCATGGTCCCGCAGCATGAAGTGAAAATCCTCCCATGTCAGCTCCTCCT-3'
Protein context (NP_001350640.1, residues 926-946): FMLRDHDSEL[Arg936His]FTQLCVKGGG